The following is an entry in ClinVar:

ClinVar aggregate classification (germline): Uncertain significance (1 of 4 stars; one submission).

Allele frequency attached by ClinVar (database versions not stated): TOPMed below 0.00001; gnomAD 0.00001; gnomAD exomes 0.00002.
gnomAD v4.1: 23 of 1,573,458 alleles (0.0015%); highest among the groups gnomAD compares: Middle Eastern, 0.017%; no homozygotes.

Submission:

Labcorp Genetics (formerly Invitae), Labcorp
Classification: Uncertain significance. Last evaluated: 2024-12-09. Review status: criteria provided, single submitter. Criteria: Invitae Variant Classification Sherloc (09022015). Collection method: clinical testing. Allele origin: germline.
Comment: This sequence change falls in intron 4 of the CABP4 gene. It does not directly change the encoded amino acid sequence of the CABP4 protein. It affects a nucleotide within the consensus splice site. The frequency data for this variant in the population databases is considered unreliable, as metrics indicate poor data quality at this position in the gnomAD database. This variant has not been reported in the literature in individuals affected with CABP4-related conditions. ClinVar contains an entry for this variant (Variation ID: 1362994). Variants that disrupt the consensus splice site are a relatively common cause of aberrant splicing (PMID: 17576681, 9536098). Algorithms developed to predict the effect of sequence changes on RNA splicing suggest that this variant is not likely to affect RNA splicing. In summary, the available evidence is currently insufficient to determine the role of this variant in disease. Therefore, it has been classified as a Variant of Uncertain Significance.

Literature cited by the submitters: PubMed 17576681; PubMed 9536098.

NM_145200.5(CABP4):c.651+4C>T

Gene: CABP4 (calcium binding protein 4; plus strand). Cytogenetic location: 11q13.2.
Variant type: single nucleotide variant.
Coding change: c.651+4C>T on transcript NM_145200.5 (MANE Select); 4 bases into the intron after coding-DNA position 651, C replaced by T.
Molecular consequence: intron variant.
Genome position (GRCh38, 1-based): chr11:67,457,686, C>T. VCF-style: chr11-67457686-C-T. GRCh37 (hg19) VCF-style: chr11-67225157-C-T.
Other names: c.336+4C>T (NM_001379183.1, NM_001300896.3, NM_001300895.3).
Identifiers: ClinVar variation 1362994 (VCV001362994.6), dbSNP rs1297358257, ClinGen allele CA599905046.